The following is an entry in ClinVar:

ClinVar aggregate classification (germline): Uncertain significance (1 of 4 stars; one submission).

Conditions:
PLEC-related disorder. Also called: PLEC-related condition; PLEC-related disorders.

gnomAD v4.1: 1 of 1,612,204 alleles (0.000062%); highest among the groups gnomAD compares: African/African-American, 0.0013%; no homozygotes.

Submission:

PreventionGenetics, part of Exact Sciences
Classification: Uncertain significance for PLEC-related condition. Last evaluated: 2026-05-06. Review status: criteria provided, single submitter. Criteria: ACMG Guidelines, 2015. Collection method: clinical testing. Allele origin: germline.
Comment: The PLEC c.12879G>C variant is predicted to result in the amino acid substitution p.Gln4293His. To our knowledge, this variant has not been reported in the literature or in a large population database (gnomAD), indicating this variant is rare. At this time, the clinical significance of this variant is uncertain due to the absence of conclusive functional and genetic evidence.

NM_201384.3(PLEC):c.12798G>C (p.Gln4266His)

Gene: PLEC (plectin; minus strand). Cytogenetic location: 8q24.3.
Variant type: single nucleotide variant.
Coding change: c.12798G>C on transcript NM_201384.3 (MANE Select); coding-DNA position 12798, G replaced by C.
Protein change: p.Gln4266His; replaces glutamine 4266 with histidine.
Molecular consequence: missense variant.
Genome position (GRCh38, 1-based): chr8:143,917,023, C>G on the plus strand (G>C on the coding strand, the complement: PLEC is on the minus strand). VCF-style: chr8-143917023-C-G. GRCh37 (hg19) VCF-style: chr8-144991191-C-G.
Other names: c.12879G>C, p.Gln4293His (NM_000445.5); c.9498G>C, p.Gln3166His (NM_001410941.1); c.12756G>C, p.Gln4252His (NM_201378.4); c.12732G>C, p.Gln4244His (NM_201379.3); c.13209G>C, p.Gln4403His (NM_201380.4); c.12702G>C, p.Gln4234His (NM_201381.3); c.12798G>C, p.Gln4266His (NM_201382.4); c.12810G>C, p.Gln4270His (NM_201383.3); short protein forms Q4252H, Q4270H, Q4234H, Q4403H, Q4266H, Q3166H, Q4244H, Q4293H.
Identifiers: ClinVar variation 4988139 (VCV004988139.1).